The following is an entry in ClinVar:

NM_005529.7(HSPG2):c.8072C>A (p.Ser2691Ter)

Gene: HSPG2 (heparan sulfate proteoglycan 2; minus strand). Cytogenetic location: 1p36.12.
Variant type: single nucleotide variant.
Coding change: c.8072C>A on transcript NM_005529.7 (MANE Select); coding-DNA position 8072, C replaced by A.
Protein change: p.Ser2691Ter; replaces serine 2691 with a stop codon.
Molecular consequence: nonsense.
Genome position (GRCh38, 1-based): chr1:21,847,446, G>T on the plus strand (C>A on the coding strand, the complement: HSPG2 is on the minus strand). VCF-style: chr1-21847446-G-T. GRCh37 (hg19) VCF-style: chr1-22173939-G-T.
Other names: c.8075C>A, p.Ser2692Ter (NM_001291860.2); short protein forms S2691*, S2692*.
Identifiers: ClinVar variation 3009718 (VCV003009718.3), dbSNP rs1450531583, ClinGen allele CA338920012.
Genomic context (GRCh38, chr1:21,847,446, plus strand): 5'-ATGACGATGGAGGCCTCCAGGGCATCGATGTTGTTGTTGGCCCGGCACACATACTCGCCC[G>T]AGTCAGCCACAGACATTTGGTGCAACCGCAGGTGGGAGCCATGGGTCTGGACGTGCGGAT-3'

ClinVar aggregate classification (germline): Pathogenic (1 of 4 stars; one submission).

Allele frequency attached by ClinVar (database versions not stated): gnomAD 0.00001.
gnomAD v4.1: 5 of 1,613,802 alleles (0.00031%); highest among the groups gnomAD compares: Admixed American, 0.0067%; no homozygotes.

Submission:

Labcorp Genetics (formerly Invitae), Labcorp
Classification: Pathogenic. Last evaluated: 2024-03-27. Review status: criteria provided, single submitter. Criteria: Invitae Variant Classification Sherloc (09022015). Collection method: clinical testing. Allele origin: germline.
Comment: This sequence change creates a premature translational stop signal (p.Ser2691*) in the HSPG2 gene. It is expected to result in an absent or disrupted protein product. Loss-of-function variants in HSPG2 are known to be pathogenic (PMID: 11279527, 16927315, 20542149, 23836246). This variant is not present in population databases (gnomAD no frequency). This variant has not been reported in the literature in individuals affected with HSPG2-related conditions. Algorithms developed to predict the effect of sequence changes on RNA splicing suggest that this variant may disrupt the consensus splice site. For these reasons, this variant has been classified as Pathogenic.

Literature cited by the submitters: PubMed 11279527; PubMed 16927315; PubMed 20542149; PubMed 23836246.